The following is an entry in ClinVar:

ClinVar aggregate classification (germline): Pathogenic (1 of 4 stars; one submission).

Submission:

Labcorp Genetics (formerly Invitae), Labcorp
Classification: Pathogenic. Last evaluated: 2023-02-13. Review status: criteria provided, single submitter. Criteria: Invitae Variant Classification Sherloc (09022015). Collection method: clinical testing. Allele origin: germline.
Comment: This variant has not been reported in the literature in individuals affected with SERPING1-related conditions. This variant is not present in population databases (gnomAD no frequency). This sequence change creates a premature translational stop signal (p.Leu109Profs*23) in the SERPING1 gene. It is expected to result in an absent or disrupted protein product. Loss-of-function variants in SERPING1 are known to be pathogenic (PMID: 11112899, 24456027). For these reasons, this variant has been classified as Pathogenic.

Literature cited by the submitters: PubMed 11112899; PubMed 24456027.

NM_000062.3(SERPING1):c.326_327del (p.Leu109fs)

Gene: SERPING1 (serpin family G member 1; plus strand). Cytogenetic location: 11q12.1.
Variant type: Deletion.
Coding change: c.326_327del on transcript NM_000062.3 (MANE Select); coding-DNA positions 326 to 327, 2 bases deleted (TC; older notation c.326_327delTC).
Protein change: p.Leu109fs; shifts the reading frame from leucine 109.
Molecular consequence: frameshift variant.
Genome position (GRCh38, 1-based): chr11:57,600,153-57,600,154, TC deleted; deleting any 2 consecutive bases within chr11:57,600,152-57,600,154 gives the same sequence; the c. name uses the placement nearest the transcript's 3' end. VCF-style (leftmost placement, unchanged base first): chr11-57600151-GCT-G. GRCh37 (hg19) VCF-style: chr11-57367624-GCT-G.
Other names: c.326_327del, p.Leu109fs (NM_001032295.2); short protein forms L109fs.
Identifiers: ClinVar variation 2836782 (VCV002836782.3), dbSNP rs2495426115, ClinGen allele CA2739270445.